The following is an entry in ClinVar:

ClinVar aggregate classification (germline): Uncertain significance (1 of 4 stars; one submission).

gnomAD v4.1: 7 of 1,613,028 alleles (0.00043%); highest among the groups gnomAD compares: South Asian, 0.0066%; no homozygotes.

Submission:

Ambry Genetics
Classification: Uncertain significance. Last evaluated: 2025-02-04. Review status: criteria provided, single submitter. Criteria: Ambry Variant Classification Scheme 2023. Collection method: clinical testing. Allele origin: germline.
Comment: The p.H229D variant (also known as c.685C>G), located in coding exon 7 of the SRP72 gene, results from a C to G substitution at nucleotide position 685. The histidine at codon 229 is replaced by aspartic acid, an amino acid with similar properties. This amino acid position is conserved. In addition, this alteration is predicted to be deleterious by in silico analysis. Based on the available evidence, the clinical significance of this variant remains unclear.

NM_006947.4(SRP72):c.685C>G (p.His229Asp)

Gene: SRP72 (signal recognition particle 72; plus strand). Cytogenetic location: 4q12.
Variant type: single nucleotide variant.
Coding change: c.685C>G on transcript NM_006947.4 (MANE Select); coding-DNA position 685, C replaced by G.
Protein change: p.His229Asp; replaces histidine 229 with aspartic acid.
Molecular consequence: missense variant. On other transcripts: non-coding transcript variant (1), intron variant (1).
Genome position (GRCh38, 1-based): chr4:56,478,421, C>G. VCF-style: chr4-56478421-C-G. GRCh37 (hg19) VCF-style: chr4-57344587-C-G.
Other names: c.642+1719C>G (NM_001267722.2); short protein forms H229D.
Identifiers: ClinVar variation 3801478 (VCV003801478.1).
Genomic context (GRCh38, chr4:56,478,421, plus strand): 5'-AACATTTCTTTCTCTTAGGATGGGACTGAGGAAGACCCACAGGCAGAACTGGCCATCATT[C>G]ATGGTCAGATGGCTTATATTCTGCAGCTTCAGGGTCGAACAGAGGAGGCTTTGCAACTTT-3'
Protein context (NP_008878.3, residues 219-239): EDPQAELAII[His229Asp]GQMAYILQLQ